The following is an entry in ClinVar:

NM_145207.3(AFG2A):c.1714+4772A>G

Gene: AFG2A (AAA ATPase AFG2A; plus strand). Cytogenetic location: 4q28.1.
Variant type: single nucleotide variant.
Coding change: c.1714+4772A>G on transcript NM_145207.3 (MANE Select); 4772 bases into the intron after coding-DNA position 1714, A replaced by G.
Molecular consequence: intron variant.
Genome position (GRCh38, 1-based): chr4:122,952,260, A>G. VCF-style: chr4-122952260-A-G. GRCh37 (hg19) VCF-style: chr4-123873415-A-G.
Other names: c.1711+4772A>G (NM_001345856.2, NM_001317799.2).
Identifiers: ClinVar variation 3026813 (VCV003026813.22), dbSNP rs1175508171, ClinGen allele CA786447468.

ClinVar aggregate classification (germline): Likely benign (1 of 4 stars; one submission).

Allele frequency attached by ClinVar (database versions not stated): TOPMed 0.00001; gnomAD 0.00001.
gnomAD v4.1: 2 of 152,164 alleles (0.0013%); highest among the groups gnomAD compares: South Asian, 0.041%; 1 homozygote.

Submission:

CeGaT Center for Human Genetics Tuebingen
Classification: Likely benign. Last evaluated: 2024-01-01. Review status: criteria provided, single submitter. Criteria: CeGaT Center For Human Genetics Tuebingen Variant Classification Criteria Version 2. Collection method: clinical testing. Allele origin: germline. Affected: yes. Observed: 1 variant allele.
Comment: AFG2A: BP4, BP7